The following is an entry in ClinVar:

ClinVar aggregate classification (germline): Conflicting classifications of pathogenicity. Review status: criteria provided, conflicting classifications (1 of 4 stars). 3 submissions from 3 submitters: Uncertain significance (2); Likely benign (1). Last evaluated 2023-05-28.

Conditions:
Hereditary breast ovarian cancer syndrome. Also called: Hereditary breast and ovarian cancer syndrome; BRCA1- and BRCA2-Associated Hereditary Breast and Ovarian Cancer; Hereditary breast and/or ovarian cancer syndrome; Breast and ovarian cancer; Hereditary breast and ovarian cancer; Hereditary breast and ovarian cancer syndrome (HBOC). Identifiers: Orphanet 145, MedGen C0677776, MeSH D061325, MONDO:0003582. Disease mechanism: loss of function.
Hereditary cancer-predisposing syndrome. Also called: Neoplastic Syndromes, Hereditary; Hereditary neoplastic syndrome; Hereditary Cancer Syndrome; Tumor predisposition. Identifiers: Orphanet 140162, MedGen C0027672, MeSH D009386, MONDO:0015356.

Submissions (3):

Labcorp Genetics (formerly Invitae), Labcorp
Classification: Uncertain significance for Hereditary breast ovarian cancer syndrome. Last evaluated: 2023-05-28. Review status: criteria provided, single submitter. Criteria: Invitae Variant Classification Sherloc (09022015). Collection method: clinical testing. Allele origin: germline.
Comment: This sequence change replaces aspartic acid, which is acidic and polar, with tyrosine, which is neutral and polar, at codon 642 of the BRCA1 protein (p.Asp642Tyr). In summary, the available evidence is currently insufficient to determine the role of this variant in disease. Therefore, it has been classified as a Variant of Uncertain Significance. Advanced modeling of protein sequence and biophysical properties (such as structural, functional, and spatial information, amino acid conservation, physicochemical variation, residue mobility, and thermodynamic stability) performed at Invitae indicates that this missense variant is not expected to disrupt BRCA1 protein function. ClinVar contains an entry for this variant (Variation ID: 448991). This variant has not been reported in the literature in individuals affected with BRCA1-related conditions. This variant is not present in population databases (gnomAD no frequency).

University of Washington Department of Laboratory Medicine, University of Washington
Classification: Likely benign for Hereditary cancer-predisposing syndrome. Last evaluated: 2023-03-23. Review status: criteria provided, single submitter. Criteria: Dines et al. (Genet Med. 2020). Collection method: curation. Allele origin: germline.
Comment: Missense variant in a coldspot region where missense variants are very unlikely to be pathogenic (PMID:31911673).

BRCA1 coldspot (exon 11 using historical exon numbering). Reclassification based on statistical prior probability

GeneDx
Classification: Uncertain significance. Last evaluated: 2017-07-28. Review status: criteria provided, single submitter. Criteria: GeneDx Variant Classification (06012015). Collection method: clinical testing. Allele origin: germline. Affected: yes.
Comment: This variant is denoted BRCA1 c.1924G>T at the cDNA level, p.Asp642Tyr (D642Y) at the protein level, and results in the change of an Aspartic Acid to a Tyrosine (GAT>TAT) in exon 10. This variant has not, to our knowledge, been published in the literature as either a pathogenic variant or a benign polymorphism. BRCA1 Asp642Tyr was not observed in approximately 6,500 individuals of European and African American ancestry in the NHLBI Exome Sequencing Project, indicating it is not a common benign variant in these populations. Since Aspartic Acid and Tyrosine differ in polarity, charge, size or other properties, this is considered a non-conservative amino acid substitution. BRCA1 Asp642Tyr alters a position that is moderately conserved in mammals and is located in the DNA binding domain (Narod 2004). In silico analyses are inconsistent regarding the effect this variant may have on protein structure and function. Based on currently available information, it is unclear whether BRCA1 Asp642Tyr is a pathogenic or a benign

NM_007294.4(BRCA1):c.1924G>T (p.Asp642Tyr)

Gene: BRCA1 (BRCA1 DNA repair associated; minus strand). Cytogenetic location: 17q21.31.
Variant type: single nucleotide variant.
Coding change: c.1924G>T on transcript NM_007294.4 (MANE Select); coding-DNA position 1924, G replaced by T.
Protein change: p.Asp642Tyr; replaces aspartic acid 642 with tyrosine.
Molecular consequence: missense variant. On other transcripts: intron variant (137).
Genome position (GRCh38, 1-based): chr17:43,093,607, C>A on the plus strand (G>T on the coding strand, the complement: BRCA1 is on the minus strand). VCF-style: chr17-43093607-C-A. GRCh37 (hg19) VCF-style: chr17-41245624-C-A.
Other names: c.1591G>T, p.Asp531Tyr (NM_001407953.1, NM_001407957.1, NM_001407946.1 and 6 more transcripts); c.1588G>T, p.Asp530Tyr (NM_001407954.1, NM_001407955.1, NM_001407956.1 and 1 more transcripts); c.1783G>T, p.Asp595Tyr (NM_007297.4, NM_001407942.1, NM_001407944.1 and 29 more transcripts); c.1924G>T, p.Asp642Tyr (NM_007300.4, NM_001407581.1, NM_001407582.1 and 30 more transcripts); c.646+1137G>T (NM_001408458.1, NM_001408469.1, NM_001408453.1 and 11 more transcripts); c.283+1137G>T (NM_001408512.1); c.406+1137G>T (NM_001408510.1); c.643+1137G>T (NM_001408470.1, NM_001408464.1, NM_001408468.1 and 3 more transcripts); and 40 more; short protein forms D642Y, D595Y, D346Y, D474Y, D515Y, D553Y, D594Y, D601Y.
Identifiers: ClinVar variation 448991 (VCV000448991.8), dbSNP rs80357344, ClinGen allele CA10598177.